The following is an entry in ClinVar:

ClinVar aggregate classification (germline): Pathogenic (1 of 4 stars; one submission).

Conditions:
Myofibromatosis, infantile, 1. Also called: Myofibromatosis, juvenile. Identifiers: Orphanet 2591, MedGen C4551572, MONDO:0009227, OMIM 228550.

Submission:

Demoulin lab, University of Louvain
Classification: Pathogenic for Myofibromatosis, infantile, 1. Last evaluated: 2024-04-23. Review status: criteria provided, single submitter. Criteria: ACMG Guidelines, 2015. Collection method: clinical testing. Allele origin: somatic. Affected: yes. Observed: 1 variant allele.
Comment: It robustly activated PDGFRB signaling in luciferase assays, indicating a gain-of-function.

Literature cited by the submitters: PubMed 39580648.

NM_002609.4(PDGFRB):c.2548G>T (p.Asp850Tyr)

Gene: PDGFRB (platelet derived growth factor receptor beta; minus strand). Cytogenetic location: 5q32.
Variant type: single nucleotide variant.
Coding change: c.2548G>T on transcript NM_002609.4 (MANE Select); coding-DNA position 2548, G replaced by T.
Protein change: p.Asp850Tyr; replaces aspartic acid 850 with tyrosine.
Molecular consequence: missense variant.
Genome position (GRCh38, 1-based): chr5:150,120,926, C>A on the plus strand (G>T on the coding strand, the complement: PDGFRB is on the minus strand). VCF-style: chr5-150120926-C-A. GRCh37 (hg19) VCF-style: chr5-149500489-C-A.
Other names: c.2356G>T, p.Asp786Tyr (NM_001355016.2); c.2065G>T, p.Asp689Tyr (NM_001355017.2); short protein forms D689Y, D786Y, D850Y.
Identifiers: ClinVar variation 3237207 (VCV003237207.3).